The following is an entry in ClinVar:

ClinVar aggregate classification (germline): Uncertain significance (1 of 4 stars; one submission).

Conditions:
Familial thoracic aortic aneurysm and aortic dissection (TAAD). Also called: Thoracic aortic aneurysms and dissections. Identifiers: Orphanet 91387, MedGen C4707243, MONDO:0019625.

Submission:

Ambry Genetics
Classification: Uncertain significance for Familial thoracic aortic aneurysm and aortic dissection. Last evaluated: 2026-05-14. Review status: criteria provided, single submitter. Criteria: Ambry Variant Classification Scheme 2023. Collection method: clinical testing. Allele origin: germline.
Comment: The p.V776G variant (also known as c.2327T>G), located in coding exon 14 of the NOTCH1 gene, results from a T to G substitution at nucleotide position 2327. The valine at codon 776 is replaced by glycine, an amino acid with dissimilar properties. This amino acid position is conserved. In addition, the in silico prediction for this alteration is inconclusive. Based on the available evidence, the clinical significance of this variant remains unclear.

NM_017617.5(NOTCH1):c.2327T>G (p.Val776Gly)

Gene: NOTCH1 (notch receptor 1; minus strand). Cytogenetic location: 9q34.3.
Variant type: single nucleotide variant.
Coding change: c.2327T>G on transcript NM_017617.5 (MANE Select); coding-DNA position 2327, T replaced by G.
Protein change: p.Val776Gly; replaces valine 776 with glycine.
Molecular consequence: missense variant.
Genome position (GRCh38, 1-based): chr9:136,513,418, A>C on the plus strand (T>G on the coding strand, the complement: NOTCH1 is on the minus strand). VCF-style: chr9-136513418-A-C. GRCh37 (hg19) VCF-style: chr9-139407870-A-C.
Other names: short protein forms V776G.
Identifiers: ClinVar variation 4861117 (VCV004861117.1).